The following is an entry in ClinVar:

NM_000152.5(GAA):c.1933G>A (p.Asp645Asn)

Gene: GAA (alpha glucosidase; plus strand). Cytogenetic location: 17q25.3.
Variant type: single nucleotide variant.
Coding change: c.1933G>A on transcript NM_000152.5 (MANE Select); coding-DNA position 1933, G replaced by A.
Protein change: p.Asp645Asn; replaces aspartic acid 645 with asparagine.
Molecular consequence: missense variant.
Genome position (GRCh38, 1-based): chr17:80,112,920, G>A. VCF-style: chr17-80112920-G-A. GRCh37 (hg19) VCF-style: chr17-78086719-G-A.
Other names: c.1933G>A (LRG_673t1, NM_000152.4); c.1933G>A, p.Asp645Asn (NM_001079803.3, NM_001079804.3); short protein forms D645N.
Identifiers: ClinVar variation 188728 (VCV000188728.37), dbSNP rs368438393, ClinGen allele CA273892.

ClinVar aggregate classification (germline): Pathogenic. Review status: reviewed by expert panel (3 of 4 stars). 14 submissions from 14 submitters: Pathogenic (1). 13 of the submissions do not count toward it. Last evaluated 2020-05-28.

Conditions:
GAA-related disorders.
Glycogen storage disease, type II (IOPD). Also called: CARDIOMEGALIA GLYCOGENICA DIFFUSA; Glycogen storage disease type 2; Acid maltase deficiency disease; Aglucosidase alfa; Deficiency of alpha-glucosidase; Deficiency of lysosomal alpha-glucosidase. Identifiers: Orphanet 365, MedGen C0017921, MONDO:0009290, OMIM 232300.

Allele frequency attached by ClinVar (database versions not stated): TOPMed 0.00003; ESP Exome Variant Server 0.00008.

Submissions 1 to 9 of 14:

ClinGen Lysosomal Storage Disorder Variant Curation Expert Panel
Classification: Pathogenic for Glycogen storage disease, type II. Last evaluated: 2020-05-28. Review status: reviewed by expert panel. Criteria: ClinGen LSD ACMG Specifications v1. Collection method: curation. Allele origin: germline. Inheritance: Autosomal recessive inheritance.
Comment: This variant, c.1933G>A (p.Asp645Asn), is a missense change which has been reported in least 11 individuals with deficient GAA activity meeting the ClinGen LSD VCEP's specifications for PP4 (PMIDs 9535769, 15145338, 16860134, 17723315, 23601496, 25139343, 26497565). Five of these individuals are homozygous for the variant have been reported to have infantile onset Pompe disease (PMIDs 16860134, 25139343, 26497565). This variant was also found in two patients who meet PP4 specifications, in compound heterozygosity, phase not confirmed, with a unique pathogenic variant in GAA, either c.2501_2502del or c.2242dup (PMIDs 9535769, 23601496). Based on data from homozygous and compound heterozygous patients, PM3_Strong is met. Additional compound heterozygous cases have been reported but the in trans data has been used in the assessment of the second variant and therefore is not included here in order to avoid circular logic (PMIDs 15145338, 17723315, 26497565). Other cases were not included because the residual GAA activity was not provided, and therefore PP4 cannot be assessed (PMIDs 18429042, 25455803, 27927596, 29122469, 30105547, 30155607). The highest population minor allele frequency in gnomAD is 0.00007 in the African population, meeting PM2. When expressed in GAA-deficient fibroblasts and COS cells, this variant results in virtually no GAA activity (PMIDs 9535769, 15145338), meeting PS3. The score for the in silico meta-predictor, REVEL, is 0.868 suggesting that the variant impacts the function of GAA, meeting PP3. Three other amino acid changes have been reported in patients with Pompe disease at the same amino acid position (c.1933G>C (p.Asp645His), c.1933G>T (p.Asp645Tyr), c.1935C>A (p.Asp645Glu). At least one of these variants, c.1935C>A (p.Asp645Glu), is pathogenic, meeting PM5. In summary, this variant meets the criteria to be specified as pathogenic for Pompe disease. ACMG/AMP criteria applied, as specified by the ClinGen LSD VCEP: PS3, PM2, PM3_Strong, PM5, PP4.

Genomenon, Inc
Classification: Pathogenic for Glycogen storage disease, type II. Last evaluated: 2026-07-01. Review status: criteria provided, single submitter. Criteria: Genomenon Sequence Variant Interpretation Standards - Updated. Collection method: curation. Allele origin: germline. Affected: yes. Not counted in ClinVar's aggregate classification.
Comment: GAA p.Asp645Asn (c.1933G>A) is a missense variant that changes the amino acid at codon 645 from Aspartic acid to Asparagine. This variant has been observed in at least one proband with a GAA-related disorder in the compound heterozygous and/or homozygous state (PMID:38248631;38162137;38043017;36310651;36105079;32902111;31899940;28648663). At least one functional study has demonstrated a substantial alteration in protein function relative to the wild-type (PMID:36246652;9535769;19862843). It is absent or not present at a significant frequency in gnomAD. In silico models predict that this variant is possibly or probably damaging. In conclusion, we classify GAA p.Asp645Asn (c.1933G>A) as a pathogenic variant.

Revvity Omics, Revvity
Classification: Pathogenic. Last evaluated: 2025-05-22. Review status: criteria provided, single submitter. Criteria: ACMG Guidelines, 2015. Collection method: clinical testing. Allele origin: germline. Not counted in ClinVar's aggregate classification.

Labcorp Genetics (formerly Invitae), Labcorp
Classification: Pathogenic for Glycogen storage disease, type II. Last evaluated: 2025-04-20. Review status: criteria provided, single submitter. Criteria: Invitae Variant Classification Sherloc (09022015). Collection method: clinical testing. Allele origin: germline. Not counted in ClinVar's aggregate classification.
Comment: This sequence change replaces aspartic acid, which is acidic and polar, with asparagine, which is neutral and polar, at codon 645 of the GAA protein (p.Asp645Asn). The frequency data for this variant in the population databases is considered unreliable, as metrics indicate poor data quality at this position in the gnomAD database. This missense change has been observed in individuals with Pompe disease (PMID: 9535769, 15145338, 17723315, 18429042, 20830524, 23787031). ClinVar contains an entry for this variant (Variation ID: 188728). Invitae Evidence Modeling of protein sequence and biophysical properties (such as structural, functional, and spatial information, amino acid conservation, physicochemical variation, residue mobility, and thermodynamic stability) indicates that this missense variant is expected to disrupt GAA protein function with a positive predictive value of 95%. Experimental studies have shown that this missense change affects GAA function (PMID: 9535769, 15145338, 17723315, 20830524). For these reasons, this variant has been classified as Pathogenic.

Blueprint Genetics
Classification: Pathogenic for GAA-related disorders. Last evaluated: 2024-08-12. Review status: criteria provided, single submitter. Criteria: ACMG Guidelines, 2015. Collection method: clinical testing. Allele origin: germline. Affected: yes. Observed: 2 variant alleles. Not counted in ClinVar's aggregate classification.

Natera, Inc.
Classification: Pathogenic for Glycogen storage disease type II. Last evaluated: 2024-03-15. Review status: criteria provided, single submitter. Criteria: Natera Variant Classification Schema (03/2026). Collection method: clinical testing. Allele origin: germline. Not counted in ClinVar's aggregate classification.
Comment: The c.1933G>A variant in GAA is a missense variant predicted to cause substitution of aspartic acid to asparagine at amino acid 645. This variant is rare in the general population with a frequency below the threshold expected for the associated phenotype(s). This variant has been observed in one or more individuals affected with the associated recessive disease, as either homozygous or compound heterozygous with a second variant (PMID: 17723315, 26497565, 36105079). Given the available evidence, this variant is classified as Pathogenic.

Foundation for Research in Genetics and Endocrinology, FRIGE's Institute of Human Genetics
Classification: Pathogenic for Glycogen storage disease, type II. Last evaluated: 2023-03-18. Review status: criteria provided, single submitter. Criteria: ACMG Guidelines, 2015. Collection method: clinical testing. Allele origin: germline. Inheritance: Autosomal recessive inheritance. Affected: yes. Observed: 1 homozygote. Not counted in ClinVar's aggregate classification.
Comment: A homozygous missense variant in exon 14 of the GAA gene that results in the amino acid substitution of Asparagine for Aspartate at codon 645 was detected. The observed variant c.1933G>A (p.Asp645Asn) has not been reported in the 1000 genomes and has a MAF of 0.0008% in the gnomAD databases. The in-silico prediction of the variant are damaging by PolyPhen-2 (HumDiv) and damaging by SIFT, LRT and MutationTaster2. The reference codon is conserved across species. In summary, the variant meets our criteria to be classified as pathogenic.

Fulgent Genetics
Classification: Pathogenic for Glycogen storage disease, type II. Last evaluated: 2022-03-09. Review status: criteria provided, single submitter. Criteria: ACMG Guidelines, 2015. Collection method: clinical testing. Allele origin: unknown. Not counted in ClinVar's aggregate classification.

Genetics and Genomic Medicine Centre, NeuroGen Healthcare, NeuroGen Healthcare
Classification: Pathogenic for Glycogen storage disease, type II. Last evaluated: 2021-10-21. Review status: criteria provided, single submitter. Criteria: Submitter's publication. Collection method: clinical testing. Allele origin: unknown. Affected: no. Not counted in ClinVar's aggregate classification.